The following is an entry in ClinVar:

ClinVar aggregate classification (germline): Uncertain significance (1 of 4 stars; one submission).

Allele frequency attached by ClinVar (database versions not stated): ExAC 0.00001.

Submission:

Ambry Genetics
Classification: Uncertain significance. Last evaluated: 2022-11-04. Review status: criteria provided, single submitter. Criteria: Ambry Variant Classification Scheme 2023. Collection method: clinical testing. Allele origin: germline.
Comment: The p.V737A variant (also known as c.2210T>C), located in coding exon 12 of the PALLD gene, results from a T to C substitution at nucleotide position 2210. The valine at codon 737 is replaced by alanine, an amino acid with similar properties. This amino acid position is conserved. In addition, this alteration is predicted to be deleterious by in silico analysis. Since supporting evidence is limited at this time, the clinical significance of this alteration remains unclear.

NM_001166108.2(PALLD):c.2261T>C (p.Val754Ala)

Genes: CBR4 (carbonyl reductase 4; minus strand), PALLD (palladin, cytoskeletal associated protein; plus strand). Cytogenetic location: 4q32.3.
Variant type: single nucleotide variant.
Coding change: c.2261T>C on transcript NM_001166108.2 (MANE Select); coding-DNA position 2261, T replaced by C.
Protein change: p.Val754Ala; replaces valine 754 with alanine.
Molecular consequence: missense variant.
Genome position (GRCh38, 1-based): chr4:168,898,503, T>C. VCF-style: chr4-168898503-T-C. GRCh37 (hg19) VCF-style: chr4-169819654-T-C.
Other names: c.1064T>C, p.Val355Ala (NM_001166109.2); c.749T>C, p.Val250Ala (NM_001166110.2); c.89T>C, p.Val30Ala (NM_001367567.1, NM_001367569.1); c.140T>C, p.Val47Ala (NM_001367568.1, NM_001367570.1); c.2210T>C, p.Val737Ala (NM_016081.4); short protein forms V250A, V30A, V355A, V47A, V737A, V754A.
Identifiers: ClinVar variation 3226768 (VCV003226768.1), dbSNP rs752458247, ClinGen allele CA3135862.